The following is an entry in ClinVar:

ClinVar aggregate classification (germline): Conflicting classifications of pathogenicity. Review status: criteria provided, conflicting classifications (1 of 4 stars). 10 submissions from 9 submitters: Uncertain significance (2); Benign (1); Likely benign (6). 1 of the submissions does not count toward it. Last evaluated 2026-08-01.

Conditions:
COL2A1-related disorder. Also called: COL2A1-related condition; COL2A1-related disorders.
Stickler syndrome type 1 (STL1). Also called: ARTHROOPHTHALMOPATHY, HEREDITARY PROGRESSIVE; STICKLER SYNDROME, MEMBRANOUS VITREOUS TYPE; STICKLER SYNDROME, VITREOUS TYPE 1; COL2A1-Related Stickler Syndrome. Identifiers: Orphanet 828, Orphanet 90653, MedGen C2020284, MONDO:0007160, OMIM 108300.
Connective tissue disorder. Also called: Connective tissue disease. Identifiers: MedGen C0009782, MONDO:0003900.
Type 2 collagenopathy. Identifiers: Orphanet 93421, MedGen C2931073, MONDO:0022800.

Allele frequency attached by ClinVar (database versions not stated): ExAC 0.00040; gnomAD exomes 0.00044 and 0.00110; gnomAD 0.00060; TOPMed 0.00064; ESP Exome Variant Server 0.00115.
gnomAD v4.1: 1,763 of 1,614,080 alleles (0.11%); highest among the groups gnomAD compares: Non-Finnish European, 0.14%; 1 homozygote.

Submissions (10):

CeGaT Center for Human Genetics Tuebingen
Classification: Likely benign. Last evaluated: 2026-08-01. Review status: criteria provided, single submitter. Criteria: CeGaT Center For Human Genetics Tuebingen Variant Classification Criteria Version 2. Collection method: clinical testing. Allele origin: germline. Affected: yes. Observed: 1 variant allele.
Comment: COL2A1: BP4, BP7, BS1

Labcorp Genetics (formerly Invitae), Labcorp
Classification: Likely benign. Last evaluated: 2026-01-26. Review status: criteria provided, single submitter. Criteria: Invitae Variant Classification Sherloc (09022015). Collection method: clinical testing. Allele origin: germline.

ARUP Laboratories, Molecular Genetics and Genomics, ARUP Laboratories
Classification: Likely benign. Last evaluated: 2025-05-20. Review status: criteria provided, single submitter. Criteria: ARUP Molecular Germline Variant Investigation Process 2024. Collection method: clinical testing. Allele origin: germline.

Blueprint Genetics
Classification: Likely benign. Last evaluated: 2024-11-01. Review status: criteria provided, single submitter. Criteria: ACMG Guidelines, 2015. Collection method: clinical testing. Allele origin: germline.

GeneDx
Classification: Likely benign. Last evaluated: 2021-10-11. Review status: criteria provided, single submitter. Criteria: GeneDx Variant Classification Process June 2021. Collection method: clinical testing. Allele origin: germline. Affected: yes.

Illumina Laboratory Services, Illumina
Classification: Benign for Type II Collagenopathies. Last evaluated: 2018-01-12. Review status: criteria provided, single submitter. Criteria: ICSL Variant Classification Criteria 13 December 2019. Collection method: clinical testing. Allele origin: germline.
Comment: This variant was observed in the ICSL laboratory as part of a predisposition screen in an ostensibly healthy population. It had not been previously curated by ICSL or reported in the Human Gene Mutation Database (HGMD: prior to June 1st, 2018), and was therefore a candidate for classification through an automated scoring system. Utilizing variant allele frequency, disease prevalence and penetrance estimates, and inheritance mode, an automated score was calculated to assess if this variant is too frequent to cause the disease. Based on the score and internal cut-off values, a variant classified as benign is not then subjected to further curation. The score for this variant resulted in a classification of benign for this disease.

Illumina Laboratory Services, Illumina
Classification: Uncertain significance for Stickler syndrome type 1. Last evaluated: 2018-01-12. Review status: criteria provided, single submitter. Criteria: ICSL Variant Classification Criteria 13 December 2019. Collection method: clinical testing. Allele origin: germline.

Eurofins Ntd Llc (ga)
Classification: Uncertain significance. Last evaluated: 2017-06-28. Review status: criteria provided, single submitter. Criteria: EGL Classification Definitions 2015. Collection method: clinical testing. Allele origin: germline. Observed: 3 variant alleles, 3 heterozygotes.

Center for Human Genetics, Inc
Classification: Likely benign for Connective tissue disorder. Last evaluated: 2016-11-01. Review status: criteria provided, single submitter. Criteria: ACMG Guidelines, 2015. Collection method: clinical testing. Allele origin: germline. Affected: yes.

PreventionGenetics, part of Exact Sciences
Classification: Likely benign for COL2A1-related condition. Last evaluated: 2020-02-05. Review status: no assertion criteria provided. Collection method: clinical testing. Allele origin: germline. Not counted in ClinVar's aggregate classification.
Comment: This variant is classified as likely benign based on ACMG/AMP sequence variant interpretation guidelines (Richards et al. 2015 PMID: 25741868, with internal and published modifications).

NM_001844.5(COL2A1):c.3786C>G (p.Leu1262=)

Gene: COL2A1 (collagen type II alpha 1 chain; minus strand). Cytogenetic location: 12q13.11.
Variant type: single nucleotide variant.
Coding change: c.3786C>G on transcript NM_001844.5 (MANE Select); coding-DNA position 3786, C replaced by G.
Protein change: p.Leu1262=; no amino-acid change (leucine 1262 retained).
Molecular consequence: synonymous variant.
Genome position (GRCh38, 1-based): chr12:47,975,417, G>C on the plus strand (C>G on the coding strand, the complement: COL2A1 is on the minus strand). VCF-style: chr12-47975417-G-C. GRCh37 (hg19) VCF-style: chr12-48369200-G-C.
Other names: c.3579C>G, p.Leu1193= (NM_033150.3).
Identifiers: ClinVar variation 287751 (VCV000287751.28), dbSNP rs139114389, ClinGen allele CA6534642.